The following is an entry in ClinVar:

ClinVar aggregate classification (germline): Uncertain significance. Review status: criteria provided, multiple submitters, no conflicts (2 of 4 stars). 3 submissions from 2 submitters: Uncertain significance (3). Last evaluated 2025-08-25.

Conditions:
Intellectual developmental disorder, X-linked, syndromic, Hedera type. Also called: Syndromic X-linked intellectual disability Hedera type. Identifiers: Orphanet 93952, MedGen C1845543, MONDO:0010319, OMIM 300423.
ATP6AP2-related disorder. Identifiers: MedGen CN294805, MONDO:0100146.

Submissions (3):

Daryl Scott Lab, Baylor College of Medicine
Classification: Uncertain significance for ATP6AP2-related disorder. Last evaluated: 2025-08-25. Review status: criteria provided, single submitter. Criteria: ACMG Guidelines, 2015. Collection method: clinical testing. Allele origin: de novo. Affected: yes. Observed: 1 heterozygote.
Comment: PS2, PM2

Labcorp Genetics (formerly Invitae), Labcorp
Classification: Uncertain significance for Intellectual developmental disorder, X-linked, syndromic, Hedera type. Last evaluated: 2021-07-14. Review status: criteria provided, single submitter. Criteria: Invitae Variant Classification Sherloc (09022015). Collection method: clinical testing. Allele origin: germline.
Comment: This sequence change replaces glycine with glutamic acid at codon 16 of the ATP6AP2 protein (p.Gly16Glu). The glycine residue is moderately conserved and there is a moderate physicochemical difference between glycine and glutamic acid. This variant is not present in population databases (ExAC no frequency). This variant has not been reported in the literature in individuals affected with ATP6AP2-related conditions. Algorithms developed to predict the effect of missense changes on protein structure and function are either unavailable or do not agree on the potential impact of this missense change (SIFT: "Deleterious"; PolyPhen-2: "Probably Damaging"; Align-GVGD: "Class C0"). In summary, the available evidence is currently insufficient to determine the role of this variant in disease. Therefore, it has been classified as a Variant of Uncertain Significance.

Daryl Scott Lab, Baylor College of Medicine
Classification: Uncertain significance for Intellectual developmental disorder, X-linked, syndromic, Hedera type. Review status: criteria provided, single submitter. Criteria: ACMG Guidelines, 2015. Collection method: clinical testing. Allele origin: unknown. Affected: yes. Observed: 1 heterozygote.
Comment: PM2

NM_005765.3(ATP6AP2):c.47G>A (p.Gly16Glu)

Gene: ATP6AP2 (ATPase H+ transporting accessory protein 2; plus strand). Cytogenetic location: Xp11.4.
Variant type: single nucleotide variant.
Coding change: c.47G>A on transcript NM_005765.3 (MANE Select); coding-DNA position 47, G replaced by A.
Protein change: p.Gly16Glu; replaces glycine 16 with glutamic acid.
Molecular consequence: missense variant.
Genome position (GRCh38, 1-based): chrX:40,588,995, G>A. VCF-style: chrX-40588995-G-A. GRCh37 (hg19) VCF-style: chrX-40448247-G-A.
Other names: c.47G>A (NM_005765.2); short protein forms G16E.
Identifiers: ClinVar variation 1519106 (VCV001519106.10), dbSNP rs866274169, ClinGen allele CA328984406.
Genomic context (GRCh38, chrX:40,588,995, plus strand): 5'-TAAATGATTTATGATGTTGATAATTCATTTACTGATCTGTTTTCTTTTCAGGTGTTTTGG[G>A]GAACGAGTTTAGTATATTAAAATCACCAGGGTCTGTTGTTTTCCGAAATGGAAATTGGCC-3'
Protein context (NP_005756.2, residues 6-26): VLLALVAGVL[Gly16Glu]NEFSILKSPG